The following is an entry in ClinVar:

ClinVar aggregate classification (germline): Uncertain significance (1 of 4 stars; one submission).

Conditions:
Symmetrical dyschromatosis of extremities (DSH). Also called: DYSCHROMATOSIS SYMMETRICA HEREDITARIA 1; Dyschromatosis symmetrica hereditaria; RETICULATE ACROPIGMENTATION OF DOHI; SYMMETRIC DYSCHROMATOSIS OF THE EXTREMITIES. Identifiers: Orphanet 41, MedGen C0406775, MONDO:0007483, OMIM 127400.
Aicardi-Goutieres syndrome 6 (AGS6). Identifiers: Orphanet 51, MedGen C3539013, MONDO:0014007, OMIM 615010.

Submission:

Labcorp Genetics (formerly Invitae), Labcorp
Classification: Uncertain significance for Aicardi-Goutieres syndrome 6; Symmetrical dyschromatosis of extremities. Last evaluated: 2024-11-27. Review status: criteria provided, single submitter. Criteria: Invitae Variant Classification Sherloc (09022015). Collection method: clinical testing. Allele origin: germline.
Comment: This sequence change replaces proline, which is neutral and non-polar, with alanine, which is neutral and non-polar, at codon 1225 of the ADAR protein (p.Pro1225Ala). This variant is present in population databases (no rsID available, gnomAD 0.003%). This variant has not been reported in the literature in individuals affected with ADAR-related conditions. ClinVar contains an entry for this variant (Variation ID: 1930938). An algorithm developed to predict the effect of missense changes on protein structure and function (PolyPhen-2) suggests that this variant is likely to be disruptive. In summary, the available evidence is currently insufficient to determine the role of this variant in disease. Therefore, it has been classified as a Variant of Uncertain Significance.

NM_001111.5(ADAR):c.3673C>G (p.Pro1225Ala)

Gene: ADAR (adenosine deaminase RNA specific; minus strand). Cytogenetic location: 1q21.3.
Variant type: single nucleotide variant.
Coding change: c.3673C>G on transcript NM_001111.5 (MANE Select); coding-DNA position 3673, C replaced by G.
Protein change: p.Pro1225Ala; replaces proline 1225 with alanine.
Molecular consequence: missense variant.
Genome position (GRCh38, 1-based): chr1:154,584,814, G>C on the plus strand (C>G on the coding strand, the complement: ADAR is on the minus strand). VCF-style: chr1-154584814-G-C. GRCh37 (hg19) VCF-style: chr1-154557290-G-C.
Other names: c.2788C>G, p.Pro930Ala (NM_001193495.2, NM_001025107.3, NM_001365046.1 and 2 more transcripts); c.3700C>G, p.Pro1234Ala (NM_001365045.1); c.2710C>G, p.Pro904Ala (NM_001365049.1); c.3595C>G, p.Pro1199Ala (NM_015840.4); c.3538C>G, p.Pro1180Ala (NM_015841.4); short protein forms P904A, P1225A, P1234A, P1180A, P1199A, P930A.
Identifiers: ClinVar variation 1930938 (VCV001930938.5), dbSNP rs751778442, ClinGen allele CA342634421.
Genomic context (GRCh38, chr1:154,584,814, plus strand): 5'-CTCTCTCACACCCTAGTATGACACACCCTAATCCATCTGTCACTGGAGCATACTATACTG[G>C]GCAGAGATAAAAGTTCTTTTCCTCCTGGGGTTTGCTAATCCAGTTCCCATAGCCCATATC-3'
Protein context (NP_001102.3, residues 1215-1226): PQEEKNFYLC[Pro1225Ala]V